The following is an entry in ClinVar:

ClinVar aggregate classification (germline): Benign/Likely benign. Review status: criteria provided, multiple submitters, no conflicts (2 of 4 stars). 4 submissions from 4 submitters: Benign (1); Likely benign (3). Last evaluated 2025-10-01.

Allele frequency attached by ClinVar (database versions not stated): gnomAD exomes 0.00095; ExAC 0.00118; gnomAD 0.00316 and 0.00340; ESP Exome Variant Server 0.00369; 1000 Genomes Project 30x 0.00375; 1000 Genomes Project 0.00399.
gnomAD v4.1: 1,013 of 1,613,968 alleles (0.063%); highest among the groups gnomAD compares: African/African-American, 1.1%; 1 homozygote.

Submissions (4):

CeGaT Center for Human Genetics Tuebingen
Classification: Likely benign. Last evaluated: 2025-10-01. Review status: criteria provided, single submitter. Criteria: CeGaT Center For Human Genetics Tuebingen Variant Classification Criteria Version 2. Collection method: clinical testing. Allele origin: germline. Affected: yes. Observed: 2 variant alleles.
Comment: CLCNKA: BP4, BS1

Blueprint Genetics
Classification: Likely benign. Last evaluated: 2024-11-13. Review status: criteria provided, single submitter. Criteria: ACMG Guidelines, 2015. Collection method: clinical testing. Allele origin: germline.

GeneDx
Classification: Likely benign. Last evaluated: 2020-02-03. Review status: criteria provided, single submitter. Criteria: GeneDx Variant Classification Process June 2021. Collection method: clinical testing. Allele origin: germline. Affected: yes.
Comment: See Variant Classification Assertion Criteria.

Labcorp Genetics (formerly Invitae), Labcorp
Classification: Benign. Last evaluated: 2018-04-04. Review status: criteria provided, single submitter. Criteria: Invitae Variant Classification Sherloc (09022015). Collection method: clinical testing. Allele origin: germline.

NM_004070.4(CLCNKA):c.310G>A (p.Val104Ile)

Genes: CLCNKA (chloride voltage-gated channel Ka; plus strand), LOC106501712 (CLCNKA recombination region; plus strand). Cytogenetic location: 1p36.13.
Variant type: single nucleotide variant.
Coding change: c.310G>A on transcript NM_004070.4 (MANE Select); coding-DNA position 310, G replaced by A.
Protein change: p.Val104Ile; replaces valine 104 with isoleucine.
Molecular consequence: missense variant. On other transcripts: intron variant (1).
Genome position (GRCh38, 1-based): chr1:16,024,843, G>A. VCF-style: chr1-16024843-G-A. GRCh37 (hg19) VCF-style: chr1-16351338-G-A.
Other names: c.310G>A, p.Val104Ile (NM_001042704.2); c.229+915G>A (NM_001257139.2); short protein forms V104I.
Identifiers: ClinVar variation 782361 (VCV000782361.14), dbSNP rs116627786, ClinGen allele CA622174.
Genomic context (GRCh38, chr1:16,024,843, plus strand): 5'-GAGATTGGGGACAGCCACCTGCTCCGGTATCTTTCCTGGACTGTGTACCCTGTGGCCCTC[G>A]TCTCTTTCTCCTCAGGCTTCTCCCAGAGCATCACGCCCTCCTCTGGAGGTGAGTCCACGG-3'
Protein context (NP_004061.3, residues 94-114): LSWTVYPVAL[Val104Ile]SFSSGFSQSI